The following is an entry in ClinVar:

NM_022168.4(IFIH1):c.1306+18dup

Gene: IFIH1 (interferon induced with helicase C domain 1; minus strand). Cytogenetic location: 2q24.2.
Variant type: Duplication.
Coding change: c.1306+18dup on transcript NM_022168.4 (MANE Select); 18 bases into the intron after coding-DNA position 1306, one base duplicated (T; older notation c.1306+18dupT).
Molecular consequence: intron variant.
Genome position (GRCh38, 1-based): chr2:162,282,342, A duplicated on the plus strand (T on the coding strand, the reverse complement: IFIH1 is on the minus strand); the first of 7 consecutive A bases (chr2:162,282,342-162,282,348); duplicating any one gives the same sequence. VCF-style (leftmost placement, unchanged base first): chr2-162282341-T-TA. GRCh37 (hg19) VCF-style: chr2-163138851-T-TA.
Identifiers: ClinVar variation 1231586 (VCV001231586.5), dbSNP rs58630208, ClinGen allele CA1934568.

ClinVar aggregate classification (germline): Benign. Review status: criteria provided, multiple submitters, no conflicts (2 of 4 stars). 2 submissions from 2 submitters: Benign (2). Last evaluated 2023-11-12.

Submissions (2):

Unidad de Genómica Garrahan, Hospital de Pediatría Garrahan
Classification: Benign. Last evaluated: 2023-11-12. Review status: criteria provided, single submitter. Criteria: ACMG Guidelines, 2015. Collection method: clinical testing. Allele origin: germline. Affected: no. Observed: 45 variant alleles.
Comment: This variant is classified as Benign based on local population frequency. This variant was detected in 47% of patients studied by a panel of primary immunodeficiencies. Number of patients: 45. Only high quality variants are reported.

GeneDx
Classification: Benign. Last evaluated: 2021-04-03. Review status: criteria provided, single submitter. Criteria: GeneDx Variant Classification Process June 2021. Collection method: clinical testing. Allele origin: germline. Affected: yes.